The following is an entry in ClinVar:

ClinVar aggregate classification (germline): Pathogenic (1 of 4 stars; one submission).

Submission:

Labcorp Genetics (formerly Invitae), Labcorp
Classification: Pathogenic. Last evaluated: 2023-07-19. Review status: criteria provided, single submitter. Criteria: Invitae Variant Classification Sherloc (09022015). Collection method: clinical testing. Allele origin: germline.
Comment: For these reasons, this variant has been classified as Pathogenic. This sequence change creates a premature translational stop signal (p.Cys216Alafs*66) in the AMER1 gene. While this is not anticipated to result in nonsense mediated decay, it is expected to disrupt the last 920 amino acid(s) of the AMER1 protein. This variant is not present in population databases (gnomAD no frequency). This variant has not been reported in the literature in individuals affected with AMER1-related conditions. This variant disrupts a region of the AMER1 protein in which other variant(s) (p.Arg497*) have been determined to be pathogenic (Invitae). This suggests that this is a clinically significant region of the protein, and that variants that disrupt it are likely to be disease-causing.

NM_152424.4(AMER1):c.645del (p.Cys216fs)

Gene: AMER1 (APC membrane recruitment protein 1; minus strand). Cytogenetic location: Xq11.2.
Variant type: Deletion.
Coding change: c.645del on transcript NM_152424.4 (MANE Select); coding-DNA position 645, one base deleted (C; older notation c.645delC).
Protein change: p.Cys216fs; shifts the reading frame from cysteine 216.
Molecular consequence: frameshift variant.
Genome position (GRCh38, 1-based): chrX:64,192,642, G deleted on the plus strand (C on the coding strand, the reverse complement: AMER1 is on the minus strand); the first of 3 consecutive G bases (chrX:64,192,642-64,192,644); deleting any one gives the same sequence. VCF-style (leftmost placement, unchanged base first): chrX-64192641-AG-A. GRCh37 (hg19) VCF-style: chrX-63412521-AG-A.
Other names: short protein forms C216fs.
Identifiers: ClinVar variation 2745415 (VCV002745415.3), dbSNP rs2521226623, ClinGen allele CA2697553138.